The following is an entry in ClinVar:

ClinVar aggregate classification (germline): Uncertain significance (1 of 4 stars; one submission).

Conditions:
Cardiovascular phenotype. Identifiers: MedGen CN230736.

Submission:

Ambry Genetics
Classification: Uncertain significance for Cardiovascular phenotype. Last evaluated: 2025-03-03. Review status: criteria provided, single submitter. Criteria: Ambry Variant Classification Scheme 2023. Collection method: clinical testing. Allele origin: germline.
Comment: The p.Q365E variant (also known as c.1093C>G), located in coding exon 7 of the CBL gene, results from a C to G substitution at nucleotide position 1093. The glutamine at codon 365 is replaced by glutamic acid, an amino acid with highly similar properties. This amino acid position is conserved. In addition, the in silico prediction for this alteration is inconclusive. Based on the available evidence, the clinical significance of this variant remains unclear.

NM_005188.4(CBL):c.1093C>G (p.Gln365Glu)

Gene: CBL (Cbl proto-oncogene; plus strand). Cytogenetic location: 11q23.3.
Variant type: single nucleotide variant.
Coding change: c.1093C>G on transcript NM_005188.4 (MANE Select); coding-DNA position 1093, C replaced by G.
Protein change: p.Gln365Glu; replaces glutamine 365 with glutamic acid.
Molecular consequence: missense variant.
Genome position (GRCh38, 1-based): chr11:119,277,842, C>G. VCF-style: chr11-119277842-C-G. GRCh37 (hg19) VCF-style: chr11-119148552-C-G.
Other names: short protein forms Q365E.
Identifiers: ClinVar variation 3827869 (VCV003827869.1).